The following is an entry in ClinVar:

NM_006662.3(SRCAP):c.5717A>G (p.Gln1906Arg)

Gene: SRCAP (Snf2 related CREBBP activator protein; plus strand). Cytogenetic location: 16p11.2.
Variant type: single nucleotide variant.
Coding change: c.5717A>G on transcript NM_006662.3 (MANE Select); coding-DNA position 5717, A replaced by G.
Protein change: p.Gln1906Arg; replaces glutamine 1906 with arginine.
Molecular consequence: missense variant.
Genome position (GRCh38, 1-based): chr16:30,729,024, A>G. VCF-style: chr16-30729024-A-G. GRCh37 (hg19) VCF-style: chr16-30740345-A-G.
Other names: short protein forms Q1906R.
Identifiers: ClinVar variation 4746116 (VCV004746116.1).
Genomic context (GRCh38, chr16:30,729,024, plus strand): 5'-AGGACTCCCTGGAGGAAAAGCGGAAGCGGCAGCGGTCTGAACGCCTGGAACGGATTTTCC[A>G]ACTTAGTGAGGCTCATGGGGCCCTGGCACCTGTGTATGGGACTGAAGTCCTGGATTTCTG-3'
Protein context (NP_006653.2, residues 1896-1916): QRSERLERIF[Gln1906Arg]LSEAHGALAP

ClinVar aggregate classification (germline): Uncertain significance (1 of 4 stars; one submission).

Submission:

Labcorp Genetics (formerly Invitae), Labcorp
Classification: Uncertain significance. Last evaluated: 2025-08-03. Review status: criteria provided, single submitter. Criteria: Invitae Variant Classification Sherloc (09022015). Collection method: clinical testing. Allele origin: germline.
Comment: This sequence change replaces glutamine, which is neutral and polar, with arginine, which is basic and polar, at codon 1906 of the SRCAP protein (p.Gln1906Arg). This variant is not present in population databases (gnomAD no frequency). This variant has not been reported in the literature in individuals affected with SRCAP-related conditions. Invitae Evidence Modeling of protein sequence and biophysical properties (such as structural, functional, and spatial information, amino acid conservation, physicochemical variation, residue mobility, and thermodynamic stability) indicates that this missense variant is not expected to disrupt SRCAP protein function with a negative predictive value of 80%. In summary, the available evidence is currently insufficient to determine the role of this variant in disease. Therefore, it has been classified as a Variant of Uncertain Significance.